The following is an entry in ClinVar:

ClinVar aggregate classification (germline): Uncertain significance (1 of 4 stars; one submission).

Conditions:
Cardiovascular phenotype. Identifiers: MedGen CN230736.
Hereditary cancer-predisposing syndrome. Also called: Neoplastic Syndromes, Hereditary; Tumor predisposition; Hereditary Cancer Syndrome; Hereditary neoplastic syndrome. Identifiers: Orphanet 140162, MedGen C0027672, MeSH D009386, MONDO:0015356.

Submission:

Ambry Genetics
Classification: Uncertain significance for Cardiovascular phenotype; Hereditary cancer-predisposing syndrome. Last evaluated: 2026-06-09. Review status: criteria provided, single submitter. Criteria: Ambry Variant Classification Scheme 2023. Collection method: clinical testing. Allele origin: germline.
Comment: The p.P539T variant (also known as c.1615C>A), located in coding exon 14 of the NF1 gene, results from a C to A substitution at nucleotide position 1615. The proline at codon 539 is replaced by threonine, an amino acid with highly similar properties. This amino acid position is well conserved in available vertebrate species. In addition, this alteration is predicted to be tolerated by in silico analysis. Based on the available evidence, the clinical significance of this variant remains unclear.

NM_001042492.3(NF1):c.1615C>A (p.Pro539Thr)

Gene: NF1 (neurofibromin 1; plus strand). Cytogenetic location: 17q11.2.
Variant type: single nucleotide variant.
Coding change: c.1615C>A on transcript NM_001042492.3 (MANE Select); coding-DNA position 1615, C replaced by A.
Protein change: p.Pro539Thr; replaces proline 539 with threonine.
Molecular consequence: missense variant.
Genome position (GRCh38, 1-based): chr17:31,219,092, C>A. VCF-style: chr17-31219092-C-A. GRCh37 (hg19) VCF-style: chr17-29546110-C-A.
Other names: c.1615C>A, p.Pro539Thr (NM_000267.4, NM_001128147.3); short protein forms P539T.
Identifiers: ClinVar variation 4860992 (VCV004860992.1).
Genomic context (GRCh38, chr17:31,219,092, plus strand): 5'-CAAGGCAGTACAGCAGAATTAATTACAGGGCTCGTCCAACTGGTCCCTCAGTCACACATG[C>A]CAGAGATTGCTCAGGAAGCAATGGAGGTAAGGGGAAAATGAATTCCATGTTCTTGAAGGA-3'
Protein context (NP_001035957.1, residues 529-549): LVQLVPQSHM[Pro539Thr]EIAQEAMEAL